The following is an entry in ClinVar:

ClinVar aggregate classification (germline): Uncertain significance. Review status: criteria provided, multiple submitters, no conflicts (2 of 4 stars). 2 submissions from 2 submitters: Uncertain significance (2). Last evaluated 2025-10-15.

Conditions:
Hyperkalemic periodic paralysis. Also called: Familial hyperkalemic periodic paralysis; Gamstorp disease. Identifiers: Orphanet 682, MedGen C0238357, MONDO:0008224, OMIM 170500, HP:0007215.
Inborn genetic diseases. Identifiers: MedGen C0950123, MeSH D030342.

Submissions (2):

Ambry Genetics
Classification: Uncertain significance for Inborn genetic diseases. Last evaluated: 2025-10-15. Review status: criteria provided, single submitter. Criteria: Ambry Variant Classification Scheme 2023. Collection method: clinical testing. Allele origin: germline.

Labcorp Genetics (formerly Invitae), Labcorp
Classification: Uncertain significance for Hyperkalemic periodic paralysis. Last evaluated: 2024-12-04. Review status: criteria provided, single submitter. Criteria: Invitae Variant Classification Sherloc (09022015). Collection method: clinical testing. Allele origin: germline.
Comment: This sequence change replaces aspartic acid, which is acidic and polar, with asparagine, which is neutral and polar, at codon 886 of the SCN4A protein (p.Asp886Asn). This variant is not present in population databases (gnomAD no frequency). This variant has not been reported in the literature in individuals affected with SCN4A-related conditions. Invitae Evidence Modeling of protein sequence and biophysical properties (such as structural, functional, and spatial information, amino acid conservation, physicochemical variation, residue mobility, and thermodynamic stability) indicates that this missense variant is not expected to disrupt SCN4A protein function with a negative predictive value of 95%. In summary, the available evidence is currently insufficient to determine the role of this variant in disease. Therefore, it has been classified as a Variant of Uncertain Significance.

NM_000334.4(SCN4A):c.2656G>A (p.Asp886Asn)

Genes: GH-LCR (growth hormone locus control region; plus strand), SCN4A (sodium voltage-gated channel alpha subunit 4; minus strand). Cytogenetic location: 17q23.3.
Variant type: single nucleotide variant.
Coding change: c.2656G>A on transcript NM_000334.4 (MANE Select); coding-DNA position 2656, G replaced by A.
Protein change: p.Asp886Asn; replaces aspartic acid 886 with asparagine.
Molecular consequence: missense variant.
Genome position (GRCh38, 1-based): chr17:63,951,621, C>T on the plus strand (G>A on the coding strand, the complement: SCN4A is on the minus strand). VCF-style: chr17-63951621-C-T. GRCh37 (hg19) VCF-style: chr17-62028981-C-T.
Other names: short protein forms D886N.
Identifiers: ClinVar variation 3663822 (VCV003663822.2).
Genomic context (GRCh38, chr17:63,951,621, plus strand): 5'-TGGATGGGGGGCCGTCAGCCAGGCCCATGTGGTTCAGGATGTGATTGTCCTTCTTCAGGT[C>T]CTCCTCGGGCGGCTCCTTCTTCTCATCCTCGGGGGCAGTCTCCCCCGCCTCTCCAGCCTC-3'
Protein context (NP_000325.4, residues 876-896): EDEKKEPPEE[Asp886Asn]LKKDNHILNH